The following is an entry in ClinVar:

NM_020937.4(FANCM):c.1168A>C (p.Met390Leu)

Gene: FANCM (FA complementation group M; plus strand). Cytogenetic location: 14q21.2.
Variant type: single nucleotide variant.
Coding change: c.1168A>C on transcript NM_020937.4 (MANE Select); coding-DNA position 1168, A replaced by C.
Protein change: p.Met390Leu; replaces methionine 390 with leucine.
Molecular consequence: missense variant.
Genome position (GRCh38, 1-based): chr14:45,154,037, A>C. VCF-style: chr14-45154037-A-C. GRCh37 (hg19) VCF-style: chr14-45623240-A-C.
Other names: c.1090A>C, p.Met364Leu (NM_001308133.2); c.1168A>C, p.Met390Leu (NM_001308134.2); short protein forms M390L, M364L.
Identifiers: ClinVar variation 4254751 (VCV004254751.1).

ClinVar aggregate classification (germline): Uncertain significance (1 of 4 stars; one submission).

Conditions:
Inborn genetic diseases. Identifiers: MedGen C0950123, MeSH D030342.

Submission:

Ambry Genetics
Classification: Uncertain significance for Inborn genetic diseases. Last evaluated: 2025-09-12. Review status: criteria provided, single submitter. Criteria: Ambry Variant Classification Scheme 2023. Collection method: clinical testing. Allele origin: germline.
Comment: The p.M390L variant (also known as c.1168A>C), located in coding exon 6 of the FANCM gene, results from an A to C substitution at nucleotide position 1168. The methionine at codon 390 is replaced by leucine, an amino acid with highly similar properties. This amino acid position is conserved. In addition, the in silico prediction for this alteration is inconclusive. Based on the available evidence, the clinical significance of this variant remains unclear.